The following is an entry in ClinVar:

ClinVar aggregate classification (germline): Uncertain significance (1 of 4 stars; one submission).

Allele frequency attached by ClinVar (database versions not stated): gnomAD exomes 0.00001.
gnomAD v4.1: 3 of 1,614,098 alleles (0.00019%); highest among the groups gnomAD compares: Non-Finnish European, 0.00025%; no homozygotes.

Submission:

Labcorp Genetics (formerly Invitae), Labcorp
Classification: Uncertain significance. Last evaluated: 2021-10-14. Review status: criteria provided, single submitter. Criteria: Invitae Variant Classification Sherloc (09022015). Collection method: clinical testing. Allele origin: germline.
Comment: This sequence change replaces histidine with arginine at codon 43 of the NDUFA9 protein (p.His43Arg). The histidine residue is moderately conserved and there is a small physicochemical difference between histidine and arginine. This variant is not present in population databases (ExAC no frequency). This variant has not been reported in the literature in individuals affected with NDUFA9-related conditions. Algorithms developed to predict the effect of missense changes on protein structure and function (SIFT, PolyPhen-2, Align-GVGD) all suggest that this variant is likely to be tolerated. In summary, the available evidence is currently insufficient to determine the role of this variant in disease. Therefore, it has been classified as a Variant of Uncertain Significance.

NM_005002.5(NDUFA9):c.128A>G (p.His43Arg)

Gene: NDUFA9 (NADH:ubiquinone oxidoreductase subunit A9; plus strand). Cytogenetic location: 12p13.32.
Variant type: single nucleotide variant.
Coding change: c.128A>G on transcript NM_005002.5 (MANE Select); coding-DNA position 128, A replaced by G.
Protein change: p.His43Arg; replaces histidine 43 with arginine.
Molecular consequence: missense variant.
Genome position (GRCh38, 1-based): chr12:4,654,370, A>G. VCF-style: chr12-4654370-A-G. GRCh37 (hg19) VCF-style: chr12-4763536-A-G.
Other names: short protein forms H43R.
Identifiers: ClinVar variation 1421085 (VCV001421085.6), dbSNP rs2137462111, ClinGen allele CA383448300.
Genomic context (GRCh38, chr12:4,654,370, plus strand): 5'-TAGCCACATCTGTGTGTCACGGCCCACCCTGTCGCCAGCTTCATCATGCCCTCATGCCTC[A>G]TGGGAAAGGTGGACGTTCCTCAGTCAGTGGGATTGTGGCCACTGTGTTTGGAGCAACAGG-3'
Protein context (NP_004993.1, residues 33-53): CRQLHHALMP[His43Arg]GKGGRSSVSG